The following is an entry in ClinVar:

ClinVar aggregate classification (germline): Pathogenic/Likely pathogenic. Review status: criteria provided, multiple submitters, no conflicts (2 of 4 stars). 5 submissions from 5 submitters: Pathogenic (4); Likely pathogenic (1). Last evaluated 2026-07-30.

Conditions:
Hereditary cancer-predisposing syndrome. Also called: Neoplastic Syndromes, Hereditary; Hereditary Cancer Syndrome; Tumor predisposition; Hereditary neoplastic syndrome. Identifiers: Orphanet 140162, MedGen C0027672, MeSH D009386, MONDO:0015356.
Cardiovascular phenotype. Identifiers: MedGen CN230736.
Noonan syndrome 2 (NS2). Identifiers: Orphanet 648, MedGen C1854469, MONDO:0011531, OMIM 605275.
LZTR1-related schwannomatosis. Also called: Schwannomatosis-2, susceptibility to; Schwannomatosis 2. Identifiers: Orphanet 93921, MedGen C3810283, MONDO:0014299, OMIM 615670.

Allele frequency attached by ClinVar (database versions not stated): gnomAD exomes below 0.00001; gnomAD 0.00001; ExAC below 0.00001.
gnomAD v4.1: 2 of 1,613,388 alleles (0.00012%); highest among the groups gnomAD compares: African/African-American, 0.0013%; no homozygotes.

Submissions (5):

GeneDx
Classification: Likely pathogenic. Last evaluated: 2026-07-30. Review status: criteria provided, single submitter. Criteria: GeneDx Variant Classification Process June 2021. Collection method: clinical testing. Allele origin: germline.
Comment: Reported in an individual with Noonan syndrome who harbored a second LZTR1 variant on the opposite allele (PMID: 30859559); Not observed at significant frequency in large population cohorts (gnomAD); Nonsense variant predicted to result in protein truncation or nonsense mediated decay in a gene for which loss of function is a known mechanism of disease; This variant is associated with the following publications: (PMID: 38333672, 36357925, 35861108, 30859559, 39472908)

Ambry Genetics
Classification: Pathogenic for Cardiovascular phenotype; Hereditary cancer-predisposing syndrome. Last evaluated: 2026-03-17. Review status: criteria provided, single submitter. Criteria: Ambry Variant Classification Scheme 2023. Collection method: clinical testing. Allele origin: germline.
Comment: The p.W437* pathogenic mutation (also known as c.1311G>A), located in coding exon 12 of the LZTR1 gene, results from a G to A substitution at nucleotide position 1311. This changes the amino acid from a tryptophan to a stop codon within coding exon 12. In addition to the clinical data presented in the literature, this alteration is expected to result in loss of function by premature protein truncation or nonsense-mediated mRNA decay. Loss-of-function variants in LZTR1 are related to an increased risk for schwannomas and autosomal recessive Noonan syndrome; however, such associations with autosomal dominant Noonan syndrome have not been observed (Piotrowski A et al. Nat Genet. 2014 Feb;46:182-7; Yamamoto GL et al. J Med Genet. 2015 Jun;52:413-21; Johnston JJ et al. Genet Med. 2018 10;20:1175-1185). Based on the supporting evidence, this variant is pathogenic for an increased risk of LZTR1-related schwannomatosis (SWN) and would be expected to cause autosomal recessive Noonan syndrome when present along with a second pathogenic or likely pathogenic variant on the other allele; however, the association of this alteration with autosomal dominant Noonan syndrome is unlikely.

Labcorp Genetics (formerly Invitae), Labcorp
Classification: Pathogenic. Last evaluated: 2025-10-01. Review status: criteria provided, single submitter. Criteria: Invitae Variant Classification Sherloc (09022015). Collection method: clinical testing. Allele origin: germline.
Comment: This sequence change creates a premature translational stop signal (p.Trp437*) in the LZTR1 gene. It is expected to result in an absent or disrupted protein product. Loss-of-function variants in LZTR1 are known to be pathogenic (PMID: 24362817, 25335493, 25480913, 25795793, 29469822, 30368668, 30442762, 30442766, 30481304, 30859559). This variant is not present in population databases (gnomAD no frequency). This premature translational stop signal has been observed in individual(s) with autosomal recessive Noonan spectrum disorders (PMID: 30859559). ClinVar contains an entry for this variant (Variation ID: 549751). For these reasons, this variant has been classified as Pathogenic.

Baylor Genetics
Classification: Pathogenic for LZTR1-related schwannomatosis. Last evaluated: 2024-02-05. Review status: criteria provided, single submitter. Criteria: ACMG Guidelines, 2015. Collection method: clinical testing. Allele origin: unknown.

Clinical and Biomedical Sciences, University of Exeter
Classification: Pathogenic for Noonan syndrome 2. Last evaluated: 2018-07-02. Review status: criteria provided, single submitter. Criteria: ACMG Guidelines, 2015. Collection method: research. Allele origin: maternal. Affected: yes. Observed: 1 variant allele.

Literature cited by the submitters: PubMed 30859559 (cited by Ambry Genetics and Labcorp Genetics (formerly Invitae), Labcorp); PubMed 24362817 (cited by Labcorp Genetics (formerly Invitae), Labcorp); PubMed 25335493 (cited by Labcorp Genetics (formerly Invitae), Labcorp); PubMed 25480913 (cited by Labcorp Genetics (formerly Invitae), Labcorp); PubMed 25795793 (cited by Labcorp Genetics (formerly Invitae), Labcorp); PubMed 29469822 (cited by Labcorp Genetics (formerly Invitae), Labcorp); PubMed 30368668 (cited by Labcorp Genetics (formerly Invitae), Labcorp); PubMed 30442762 (cited by Labcorp Genetics (formerly Invitae), Labcorp); PubMed 30442766 (cited by Labcorp Genetics (formerly Invitae), Labcorp); PubMed 30481304 (cited by Labcorp Genetics (formerly Invitae), Labcorp).

NM_006767.4(LZTR1):c.1311G>A (p.Trp437Ter)

Gene: LZTR1 (leucine zipper like post translational regulator 1; plus strand). Cytogenetic location: 22q11.21.
Variant type: single nucleotide variant.
Coding change: c.1311G>A on transcript NM_006767.4 (MANE Select); coding-DNA position 1311, G replaced by A.
Protein change: p.Trp437Ter; replaces tryptophan 437 with a stop codon.
Molecular consequence: nonsense.
Genome position (GRCh38, 1-based): chr22:20,993,712, G>A. VCF-style: chr22-20993712-G-A. GRCh37 (hg19) VCF-style: chr22-21348001-G-A.
Other names: short protein forms W437*.
Identifiers: ClinVar variation 549751 (VCV000549751.19), dbSNP rs770933647, ClinGen allele CA10118811.